The following is an entry in ClinVar:

NM_001243133.2(NLRP3):c.2050A>G (p.Asn684Asp)

Gene: NLRP3 (NLR family pyrin domain containing 3; plus strand). Cytogenetic location: 1q44.
Variant type: single nucleotide variant.
Coding change: c.2050A>G on transcript NM_001243133.2 (MANE Select); coding-DNA position 2050, A replaced by G.
Protein change: p.Asn684Asp; replaces asparagine 684 with aspartic acid.
Molecular consequence: missense variant.
Genome position (GRCh38, 1-based): chr1:247,425,499, A>G. VCF-style: chr1-247425499-A-G. GRCh37 (hg19) VCF-style: chr1-247588801-A-G.
Other names: c.2050A>G, p.Asn684Asp (NM_001079821.3, NM_001127461.3, NM_001127462.3 and 1 more transcripts); c.2056A>G, p.Asn686Asp (NM_004895.5); short protein forms N684D, N686D.
Identifiers: ClinVar variation 2043131 (VCV002043131.4), dbSNP rs1662805725, ClinGen allele CA345558548.

ClinVar aggregate classification (germline): Uncertain significance (1 of 4 stars; one submission).

Conditions:
Cryopyrin associated periodic syndrome (CAPS). Identifiers: Orphanet 208650, MedGen C2316212, MONDO:0016168.

Allele frequency attached by ClinVar (database versions not stated): TOPMed below 0.00001; gnomAD exomes 0.00001.
gnomAD v4.1: 9 of 1,614,120 alleles (0.00056%); highest among the groups gnomAD compares: Non-Finnish European, 0.00076%; no homozygotes.

Submission:

Labcorp Genetics (formerly Invitae), Labcorp
Classification: Uncertain significance for Cryopyrin associated periodic syndrome. Last evaluated: 2025-01-13. Review status: criteria provided, single submitter. Criteria: Invitae Variant Classification Sherloc (09022015). Collection method: clinical testing. Allele origin: germline.
Comment: This sequence change replaces asparagine, which is neutral and polar, with aspartic acid, which is acidic and polar, at codon 686 of the NLRP3 protein (p.Asn686Asp). This variant is not present in population databases (gnomAD no frequency). This variant has not been reported in the literature in individuals affected with NLRP3-related conditions. ClinVar contains an entry for this variant (Variation ID: 2043131). An algorithm developed to predict the effect of missense changes on protein structure and function outputs the following: PolyPhen-2: "Benign". The aspartic acid amino acid residue is found in multiple mammalian species, which suggests that this missense change does not adversely affect protein function. In summary, the available evidence is currently insufficient to determine the role of this variant in disease. Therefore, it has been classified as a Variant of Uncertain Significance.